The following is an entry in ClinVar:

NM_003274.5(TRAPPC10):c.920G>A (p.Arg307His)

Gene: TRAPPC10 (trafficking protein particle complex subunit 10; plus strand). Cytogenetic location: 21q22.3.
Variant type: single nucleotide variant.
Coding change: c.920G>A on transcript NM_003274.5 (MANE Select); coding-DNA position 920, G replaced by A.
Protein change: p.Arg307His; replaces arginine 307 with histidine.
Molecular consequence: missense variant.
Genome position (GRCh38, 1-based): chr21:44,063,667, G>A. VCF-style: chr21-44063667-G-A. GRCh37 (hg19) VCF-style: chr21-45483548-G-A.
Other names: short protein forms R307H.
Identifiers: ClinVar variation 2342148 (VCV002342148.7), dbSNP rs775859051, ClinGen allele CA10050346.
Genomic context (GRCh38, chr21:44,063,667, plus strand): 5'-CCATAGATATGGAGAAGCGGGAATCGATCCAGAGGCGAGAAGCCACCCTGTTAGATCTGC[G>A]CAGTTACCTGTTCTCTCGCCAGTGCACCTTGCTGCTCTTCCTGCAGAGGCCGTGGGAGGT-3'
Protein context (NP_003265.3, residues 297-317): QRREATLLDL[Arg307His]SYLFSRQCTL

ClinVar aggregate classification (germline): Uncertain significance. Review status: criteria provided, multiple submitters, no conflicts (2 of 4 stars). 2 submissions from 2 submitters: Uncertain significance (2). Last evaluated 2026-01-01.

Allele frequency attached by ClinVar (database versions not stated): gnomAD exomes 0.00001; ExAC 0.00002.
gnomAD v4.1: 12 of 1,614,230 alleles (0.00074%); highest among the groups gnomAD compares: South Asian, 0.0044%; no homozygotes.

Submissions (2):

CeGaT Center for Human Genetics Tuebingen
Classification: Uncertain significance. Last evaluated: 2026-01-01. Review status: criteria provided, single submitter. Criteria: CeGaT Center For Human Genetics Tuebingen Variant Classification Criteria Version 2. Collection method: clinical testing. Allele origin: germline. Affected: yes. Observed: 1 variant allele.
Comment: TRAPPC10: PM2

Ambry Genetics
Classification: Uncertain significance. Last evaluated: 2024-11-29. Review status: criteria provided, single submitter. Criteria: Ambry Variant Classification Scheme 2023. Collection method: clinical testing. Allele origin: germline.